The following is an entry in ClinVar:

ClinVar aggregate classification (germline): Uncertain significance (1 of 4 stars; one submission).

Submission:

GeneDx
Classification: Uncertain significance. Last evaluated: 2024-08-08. Review status: criteria provided, single submitter. Criteria: GeneDx Variant Classification Process June 2021. Collection method: clinical testing. Allele origin: germline. Affected: yes.
Comment: Frameshift variant predicted to result in abnormal protein length as the last 20 amino acids are replaced with 46 different amino acids; Not observed at significant frequency in large population cohorts (gnomAD); Has not been previously published as pathogenic or benign to our knowledge

NM_003119.4(SPG7):c.2326del (p.Glu776fs)

Gene: SPG7 (SPG7 matrix AAA peptidase subunit, paraplegin; plus strand). Cytogenetic location: 16q24.3.
Variant type: Deletion.
Coding change: c.2326del on transcript NM_003119.4 (MANE Select); coding-DNA position 2326, one base deleted (G; older notation c.2326delG).
Protein change: p.Glu776fs; shifts the reading frame from glutamic acid 776.
Molecular consequence: frameshift variant. On other transcripts: 3 prime UTR variant (1).
Genome position (GRCh38, 1-based): chr16:89,557,031, G deleted; the last of 2 consecutive G bases (chr16:89,557,030-89,557,031); deleting either gives the same sequence. VCF-style (leftmost placement, unchanged base first): chr16-89557029-AG-A. GRCh37 (hg19) VCF-style: chr16-89623437-AG-A.
Other names: c.*104del (NM_001363850.1); short protein forms E776fs.
Identifiers: ClinVar variation 3730899 (VCV003730899.1).